The following is an entry in ClinVar:

NM_001372044.2(SHANK3):c.2062G>C (p.Val688Leu)

Genes: SHANK3 (SH3 and multiple ankyrin repeat domains 3; plus strand), LOC126863188 (CDK7 strongly-dependent group 2 enhancer GRCh37_chr22:51142004-51143203; plus strand). Cytogenetic location: 22q13.33.
Variant type: single nucleotide variant.
Coding change: c.2062G>C on transcript NM_001372044.2 (MANE Select); coding-DNA position 2062, G replaced by C.
Protein change: p.Val688Leu; replaces valine 688 with leucine.
Molecular consequence: missense variant.
Genome position (GRCh38, 1-based): chr22:50,704,803, G>C. VCF-style: chr22-50704803-G-C. GRCh37 (hg19) VCF-style: chr22-51143231-G-C.
Other names: short protein forms V688L.
Identifiers: ClinVar variation 1675328 (VCV001675328.29), dbSNP rs1262141039, ClinGen allele CA515256444.

ClinVar aggregate classification (germline): Uncertain significance. Review status: criteria provided, single submitter (1 of 4 stars). 2 submissions from 2 submitters: Uncertain significance (1). 1 of the submissions does not count toward it. Last evaluated 2023-02-01.

Conditions:
Atypical behavior. Also called: Behavioral abnormality; Behavioral disorders. Identifiers: MedGen C0004941, HP:0000708.

Submissions (2):

CeGaT Center for Human Genetics Tuebingen
Classification: Uncertain significance. Last evaluated: 2023-02-01. Review status: criteria provided, single submitter. Criteria: CeGaT Center For Human Genetics Tuebingen Variant Classification Criteria Version 2. Collection method: clinical testing. Allele origin: germline. Affected: yes. Observed: 1 variant allele.
Comment: SHANK3: PM2, PP2

Institute of Human Genetics, University of Wuerzburg
Classification: Uncertain significance for Atypical behavior. Review status: no assertion criteria provided. Collection method: clinical testing. Allele origin: unknown. Affected: yes. Observed: 1 variant allele. Not counted in ClinVar's aggregate classification.